The following is an entry in ClinVar:

ClinVar aggregate classification (germline): Benign/Likely benign. Review status: criteria provided, multiple submitters, no conflicts (2 of 4 stars). 4 submissions from 4 submitters: Benign (2); Likely benign (1). 1 of the submissions does not count toward it. Last evaluated 2026-02-01.

Conditions:
ADCY10-related disorder. Also called: ADCY10-related condition.

Allele frequency attached by ClinVar (database versions not stated): 1000 Genomes Project 30x 0.00250; 1000 Genomes Project 0.00300; TOPMed 0.00414; ESP Exome Variant Server 0.00554; gnomAD exomes 0.00689 and 0.00750; gnomAD 0.00720 and 0.00757; ExAC 0.00730.
gnomAD v4.1: 11,089 of 1,614,156 alleles (0.69%); highest among the groups gnomAD compares: Non-Finnish European, 0.68%; 81 homozygotes.

Submissions (4):

CeGaT Center for Human Genetics Tuebingen
Classification: Likely benign. Last evaluated: 2026-02-01. Review status: criteria provided, single submitter. Criteria: CeGaT Center For Human Genetics Tuebingen Variant Classification Criteria Version 2. Collection method: clinical testing. Allele origin: germline. Affected: yes. Observed: 2 variant alleles.
Comment: ADCY10: BP4, BS2

Labcorp Genetics (formerly Invitae), Labcorp
Classification: Benign. Last evaluated: 2026-01-11. Review status: criteria provided, single submitter. Criteria: Invitae Variant Classification Sherloc (09022015). Collection method: clinical testing. Allele origin: germline.

Mayo Clinic Laboratories, Mayo Clinic
Classification: Benign. Last evaluated: 2025-04-17. Review status: criteria provided, single submitter. Criteria: ACMG Guidelines, 2015. Collection method: clinical testing. Allele origin: germline. Observed: 1 variant allele.
Comment: BS1, BS2, BP4, BP7

PreventionGenetics, part of Exact Sciences
Classification: Benign for ADCY10-related condition. Last evaluated: 2019-05-02. Review status: no assertion criteria provided. Collection method: clinical testing. Allele origin: germline. Not counted in ClinVar's aggregate classification.
Comment: This variant is classified as benign based on ACMG/AMP sequence variant interpretation guidelines (Richards et al. 2015 PMID: 25741868, with internal and published modifications).

NM_018417.6(ADCY10):c.2565G>A (p.Lys855=)

Gene: ADCY10 (adenylate cyclase 10; minus strand). Cytogenetic location: 1q24.2.
Variant type: single nucleotide variant.
Coding change: c.2565G>A on transcript NM_018417.6 (MANE Select); coding-DNA position 2565, G replaced by A.
Protein change: p.Lys855=; no amino-acid change (lysine 855 retained).
Molecular consequence: synonymous variant.
Genome position (GRCh38, 1-based): chr1:167,846,136, C>T on the plus strand (G>A on the coding strand, the complement: ADCY10 is on the minus strand). VCF-style: chr1-167846136-C-T. GRCh37 (hg19) VCF-style: chr1-167815374-C-T.
Other names: p.Lys855=; c.2106G>A, p.Lys702= (NM_001167749.3); c.2289G>A, p.Lys763= (NM_001297772.2).
Identifiers: ClinVar variation 787696 (VCV000787696.35), dbSNP rs115709018, ClinGen allele CA1227604.